The following is an entry in ClinVar:

NM_001042492.3(NF1):c.3070G>A (p.Ala1024Thr)

Gene: NF1 (neurofibromin 1; plus strand). Cytogenetic location: 17q11.2.
Variant type: single nucleotide variant.
Coding change: c.3070G>A on transcript NM_001042492.3 (MANE Select); coding-DNA position 3070, G replaced by A.
Protein change: p.Ala1024Thr; replaces alanine 1024 with threonine.
Molecular consequence: missense variant.
Genome position (GRCh38, 1-based): chr17:31,230,339, G>A. VCF-style: chr17-31230339-G-A. GRCh37 (hg19) VCF-style: chr17-29557357-G-A.
Other names: c.3070G>A, p.Ala1024Thr (NM_000267.4); short protein forms A1024T.
Identifiers: ClinVar variation 187341 (VCV000187341.5), dbSNP rs786203657, ClinGen allele CA197395.

ClinVar aggregate classification (germline): Conflicting classifications of pathogenicity. Review status: criteria provided, conflicting classifications (1 of 4 stars). 2 submissions from 1 submitter: Uncertain significance (1); Likely benign (1). Last evaluated 2024-08-29.

Conditions:
Cardiovascular phenotype. Identifiers: MedGen CN230736.
Hereditary cancer-predisposing syndrome. Also called: Neoplastic Syndromes, Hereditary; Tumor predisposition; Hereditary Cancer Syndrome; Hereditary neoplastic syndrome. Identifiers: Orphanet 140162, MedGen C0027672, MeSH D009386, MONDO:0015356.

Submissions (2):

Ambry Genetics
Classification: Likely benign for Cardiovascular phenotype; Hereditary cancer-predisposing syndrome. Last evaluated: 2024-08-29. Review status: criteria provided, single submitter. Criteria: Ambry Variant Classification Scheme 2023. Collection method: clinical testing. Allele origin: germline.

Ambry Genetics
Classification: Uncertain significance for Hereditary cancer-predisposing syndrome. Last evaluated: 2014-12-08. Review status: criteria provided, single submitter. Criteria: Ambry Autosomal Dominant and X-Linked criteria (10/2015). Collection method: clinical testing. Allele origin: germline. Observed: 1 variant allele.
Comment: The p.A1024T variant (also known as c.3070G>A), located in coding exon 23 of the NF1 gene, results from a G to A substitution at nucleotide position 3070. The alanine at codon 1024 is replaced by threonine, an amino acid with similar properties. This variant was not reported in population based cohorts in the following databases: Database of Single Nucleotide Polymorphisms (dbSNP), NHLBI Exome Sequencing Project (ESP), and 1000 Genomes Project. In the ESP, this variant was not observed in 6502 samples (13004 alleles) with coverage at this position. To date, this alteration has been detected with an allele frequency of approximately 0.003% (greater than 30,000 alleles tested) in our clinical cohort. This amino acid position is highly conserved through mammals, but not in lower vertebrate species. In addition, this alteration is predicted to be tolerated by in silico analysis. Since supporting evidence is limited at this time, the clinical significance of p.A1024T remains unclear.